The following is an entry in ClinVar:

NM_000019.4(ACAT1):c.1100T>A (p.Leu367Ter)

Gene: ACAT1 (acetyl-CoA acetyltransferase 1; plus strand). Cytogenetic location: 11q22.3.
Variant type: single nucleotide variant.
Coding change: c.1100T>A on transcript NM_000019.4 (MANE Select); coding-DNA position 1100, T replaced by A.
Protein change: p.Leu367Ter; replaces leucine 367 with a stop codon.
Molecular consequence: nonsense. On other transcripts: non-coding transcript variant (2).
Genome position (GRCh38, 1-based): chr11:108,146,296, T>A. VCF-style: chr11-108146296-T-A. GRCh37 (hg19) VCF-style: chr11-108017023-T-A.
Other names: c.1100T>A, p.Leu367Ter (NM_001386677.1); c.785T>A, p.Leu262Ter (NM_001386678.1); c.803T>A, p.Leu268Ter (NM_001386679.1); c.830T>A, p.Leu277Ter (NM_001386681.1, NM_001386682.1, NM_001386685.1 and 6 more transcripts); short protein forms L262*, L268*, L277*, L367*.
Identifiers: ClinVar variation 1076202 (VCV001076202.7), dbSNP rs2134791556, ClinGen allele CA382508543.

ClinVar aggregate classification (germline): Pathogenic (1 of 4 stars; one submission).

Conditions:
Deficiency of acetyl-CoA acetyltransferase. Also called: Beta-ketothiolase deficiency; MITOCHONDRIAL ACETOACETYL-CoA THIOLASE DEFICIENCY; 3-KETOTHIOLASE DEFICIENCY; 3-OXOTHIOLASE DEFICIENCY. Identifiers: Orphanet 134, MedGen C1536500, MONDO:0008760, OMIM 203750. Disease mechanism: loss of function.

Submission:

Labcorp Genetics (formerly Invitae), Labcorp
Classification: Pathogenic for Deficiency of acetyl-CoA acetyltransferase. Last evaluated: 2020-04-17. Review status: criteria provided, single submitter. Criteria: Invitae Variant Classification Sherloc (09022015). Collection method: clinical testing. Allele origin: germline.
Comment: Algorithms developed to predict the effect of sequence changes on RNA splicing suggest that this variant may create or strengthen a splice site, but this prediction has not been confirmed by published transcriptional studies. Loss-of-function variants in ACAT1 are known to be pathogenic (PMID: 7749408). For these reasons, this variant has been classified as Pathogenic. This variant has not been reported in the literature in individuals with ACAT1-related conditions. This variant is not present in population databases (ExAC no frequency). This sequence change creates a premature translational stop signal (p.Leu367*) in the ACAT1 gene. It is expected to result in an absent or disrupted protein product.

Literature cited by the submitters: PubMed 7749408.